The following is an entry in ClinVar:

ClinVar aggregate classification (germline): Uncertain significance (1 of 4 stars; one submission).

Conditions:
Arrhythmogenic cardiomyopathy with wooly hair and keratoderma. Also called: Arrhythmogenic cardiomyopathy with woolly hair and keratoderma; PALMOPLANTAR KERATODERMA WITH LEFT VENTRICULAR CARDIOMYOPATHY AND WOOLLY HAIR; Dilated cardiomyopathy with woolly hair and keratoderma; Carvajal syndrome. Identifiers: Orphanet 65282, MedGen C1854063, MONDO:0011581, OMIM 605676.
Arrhythmogenic right ventricular dysplasia 8 (ARVD8). Also called: Arrhythmogenic Right Ventricular Dysplasia/Cardiomyopathy 8; ARRHYTHMOGENIC RIGHT VENTRICULAR DYSPLASIA, FAMILIAL, 8; ARRHYTHMOGENIC RIGHT VENTRICULAR CARDIOMYOPATHY 8. Identifiers: MedGen C1843896, MONDO:0011831, OMIM 607450.

Submission:

Labcorp Genetics (formerly Invitae), Labcorp
Classification: Uncertain significance for Arrhythmogenic cardiomyopathy with wooly hair and keratoderma; Arrhythmogenic right ventricular dysplasia 8. Last evaluated: 2024-03-12. Review status: criteria provided, single submitter. Criteria: Invitae Variant Classification Sherloc (09022015). Collection method: clinical testing. Allele origin: germline.
Comment: This sequence change replaces threonine, which is neutral and polar, with arginine, which is basic and polar, at codon 496 of the DSP protein (p.Thr496Arg). This variant is not present in population databases (gnomAD no frequency). This variant has not been reported in the literature in individuals affected with DSP-related conditions. ClinVar contains an entry for this variant (Variation ID: 1479120). An algorithm developed to predict the effect of missense changes on protein structure and function (PolyPhen-2) suggests that this variant is likely to be disruptive. In summary, the available evidence is currently insufficient to determine the role of this variant in disease. Therefore, it has been classified as a Variant of Uncertain Significance.

NM_004415.4(DSP):c.1487C>G (p.Thr496Arg)

Gene: DSP (desmoplakin; plus strand). Cytogenetic location: 6p24.3.
Variant type: single nucleotide variant.
Coding change: c.1487C>G on transcript NM_004415.4 (MANE Select); coding-DNA position 1487, C replaced by G.
Protein change: p.Thr496Arg; replaces threonine 496 with arginine.
Molecular consequence: missense variant.
Genome position (GRCh38, 1-based): chr6:7,569,253, C>G. VCF-style: chr6-7569253-C-G. GRCh37 (hg19) VCF-style: chr6-7569486-C-G.
Other names: c.1487C>G, p.Thr496Arg (NM_001008844.3, NM_001319034.2); short protein forms T496R.
Identifiers: ClinVar variation 1479120 (VCV001479120.8), dbSNP rs374283517, ClinGen allele CA362677595.